The following is an entry in ClinVar:

ClinVar aggregate classification (germline): Pathogenic/Likely pathogenic. Review status: criteria provided, multiple submitters, no conflicts (2 of 4 stars). 2 submissions from 2 submitters: Pathogenic (1); Likely pathogenic (1). Last evaluated 2025-03-19.

Conditions:
ACO2-related disorder. Also called: ACO2-Related Disorders.

Submissions (2):

PreventionGenetics, part of Exact Sciences
Classification: Likely pathogenic for ACO2-related condition. Last evaluated: 2025-03-19. Review status: criteria provided, single submitter. Criteria: ACMG Guidelines, 2015. Collection method: clinical testing. Allele origin: germline.
Comment: The ACO2 c.525+1G>A variant is predicted to disrupt the GT donor site and interfere with normal splicing. This variant has been reported in an individual with presumed autosomal dominant optic atrophy (Charif et al. 2021. PubMed ID: 34056600). This variant is absent in a large population database (gnomAD), indicating this variant is rare. Variants that disrupt the consensus splice donor site in ACO2 are an established mechanism of disease. This variant is interpreted as likely pathogenic.

Labcorp Genetics (formerly Invitae), Labcorp
Classification: Pathogenic. Last evaluated: 2022-09-27. Review status: criteria provided, single submitter. Criteria: Invitae Variant Classification Sherloc (09022015). Collection method: clinical testing. Allele origin: germline.
Comment: ClinVar contains an entry for this variant (Variation ID: 1470169). For these reasons, this variant has been classified as Pathogenic. Algorithms developed to predict the effect of sequence changes on RNA splicing suggest that this variant may disrupt the consensus splice site. Disruption of this splice site has been observed in individuals with clinical features of autosomal dominant optic atrophy (PMID: 34056600; Invitae). This variant is not present in population databases (gnomAD no frequency). This sequence change affects a donor splice site in intron 4 of the ACO2 gene. It is expected to disrupt RNA splicing. Variants that disrupt the donor or acceptor splice site typically lead to a loss of protein function (PMID: 16199547), and loss-of-function variants in ACO2 are known to be pathogenic (PMID: 30689204, 32519519).

Literature cited by the submitters: PubMed 34056600 (cited by Labcorp Genetics (formerly Invitae), Labcorp); PubMed 16199547 (cited by Labcorp Genetics (formerly Invitae), Labcorp); PubMed 30689204 (cited by Labcorp Genetics (formerly Invitae), Labcorp); PubMed 32519519 (cited by Labcorp Genetics (formerly Invitae), Labcorp).

NM_001098.3(ACO2):c.525+1G>A

Gene: ACO2 (aconitase 2; plus strand). Cytogenetic location: 22q13.2.
Variant type: single nucleotide variant.
Coding change: c.525+1G>A on transcript NM_001098.3 (MANE Select); the canonical splice donor site of the intron after coding-DNA position 525, G replaced by A.
Molecular consequence: splice donor variant.
Genome position (GRCh38, 1-based): chr22:41,511,969, G>A. VCF-style: chr22-41511969-G-A. GRCh37 (hg19) VCF-style: chr22-41907973-G-A.
Other names: c.525+1G>A (NM_001098.2).
Identifiers: ClinVar variation 1470169 (VCV001470169.9), dbSNP rs2146120264, ClinGen allele CA411716215.